The following is an entry in ClinVar:

NM_001451.3(FOXF1):c.98C>T (p.Pro33Leu)

Gene: FOXF1 (forkhead box F1; plus strand). Cytogenetic location: 16q24.1.
Variant type: single nucleotide variant.
Coding change: c.98C>T on transcript NM_001451.3 (MANE Select); coding-DNA position 98, C replaced by T.
Protein change: p.Pro33Leu; replaces proline 33 with leucine.
Molecular consequence: missense variant.
Genome position (GRCh38, 1-based): chr16:86,510,667, C>T. VCF-style: chr16-86510667-C-T. GRCh37 (hg19) VCF-style: chr16-86544273-C-T.
Other names: c.98C>T (NM_001451.2); short protein forms P33L.
Identifiers: ClinVar variation 2965728 (VCV002965728.4), dbSNP rs754117677, ClinGen allele CA8217353.

ClinVar aggregate classification (germline): Uncertain significance. Review status: criteria provided, multiple submitters, no conflicts (2 of 4 stars). 2 submissions from 2 submitters: Uncertain significance (2). Last evaluated 2023-09-25.

Conditions:
Inborn genetic diseases. Identifiers: MedGen C0950123, MeSH D030342.

Submissions (2):

Ambry Genetics
Classification: Uncertain significance for Inborn genetic diseases. Last evaluated: 2023-09-25. Review status: criteria provided, single submitter. Criteria: Ambry Variant Classification Scheme 2023. Collection method: clinical testing. Allele origin: germline.

Labcorp Genetics (formerly Invitae), Labcorp
Classification: Uncertain significance. Last evaluated: 2023-03-02. Review status: criteria provided, single submitter. Criteria: Invitae Variant Classification Sherloc (09022015). Collection method: clinical testing. Allele origin: germline.
Comment: In summary, the available evidence is currently insufficient to determine the role of this variant in disease. Therefore, it has been classified as a Variant of Uncertain Significance. Advanced modeling of protein sequence and biophysical properties (such as structural, functional, and spatial information, amino acid conservation, physicochemical variation, residue mobility, and thermodynamic stability) performed at Invitae indicates that this missense variant is not expected to disrupt FOXF1 protein function. This variant has not been reported in the literature in individuals affected with FOXF1-related conditions. This variant is present in population databases (rs754117677, gnomAD 0.04%). This sequence change replaces proline, which is neutral and non-polar, with leucine, which is neutral and non-polar, at codon 33 of the FOXF1 protein (p.Pro33Leu).